The following is an entry in ClinVar:

ClinVar aggregate classification (germline): Uncertain significance (1 of 4 stars; one submission).

gnomAD v4.1: 1 of 1,613,720 alleles (0.000062%); highest among the groups gnomAD compares: East Asian, 0.0022%; no homozygotes.

Submission:

Labcorp Genetics (formerly Invitae), Labcorp
Classification: Uncertain significance. Last evaluated: 2025-03-30. Review status: criteria provided, single submitter. Criteria: Invitae Variant Classification Sherloc (09022015). Collection method: clinical testing. Allele origin: germline.
Comment: This sequence change replaces leucine, which is neutral and non-polar, with valine, which is neutral and non-polar, at codon 216 of the TTBK2 protein (p.Leu216Val). This variant is present in population databases (rs746580614, gnomAD 0.01%). This variant has not been reported in the literature in individuals affected with TTBK2-related conditions. Invitae Evidence Modeling of protein sequence and biophysical properties (such as structural, functional, and spatial information, amino acid conservation, physicochemical variation, residue mobility, and thermodynamic stability) indicates that this missense variant is expected to disrupt TTBK2 protein function with a positive predictive value of 80%. In summary, the available evidence is currently insufficient to determine the role of this variant in disease. Therefore, it has been classified as a Variant of Uncertain Significance.

NM_173500.4(TTBK2):c.646T>G (p.Leu216Val)

Gene: TTBK2 (tau tubulin kinase 2; minus strand). Cytogenetic location: 15q15.2.
Variant type: single nucleotide variant.
Coding change: c.646T>G on transcript NM_173500.4 (MANE Select); coding-DNA position 646, T replaced by G.
Protein change: p.Leu216Val; replaces leucine 216 with valine.
Molecular consequence: missense variant.
Genome position (GRCh38, 1-based): chr15:42,811,738, A>C on the plus strand (T>G on the coding strand, the complement: TTBK2 is on the minus strand). VCF-style: chr15-42811738-A-C. GRCh37 (hg19) VCF-style: chr15-43103936-A-C.
Other names: short protein forms L216V.
Identifiers: ClinVar variation 4694109 (VCV004694109.1).
Genomic context (GRCh38, chr15:42,811,738, plus strand): 5'-CCAAAATTACCTTGTCCTTTATTTTTCTCCAGGGCAGCTGACCAACCACAAACTCCACCA[A>C]CATGTAGAATAAGGACCAAAGGTCATCATGTCTTCCCATTTCCTTCATAAACAAAACAGA-3'
Protein context (NP_775771.3, residues 206-226): HDDLWSLFYM[Leu216Val]VEFVVGQLPW